The following is an entry in ClinVar:

ClinVar aggregate classification (germline): Uncertain significance. Review status: criteria provided, multiple submitters, no conflicts (2 of 4 stars). 5 submissions from 5 submitters: Uncertain significance (5). Last evaluated 2026-01-20.

Conditions:
Hyperparathyroidism 1 (HRPT1). Also called: HYPERPARATHYROIDISM, FAMILIAL ISOLATED PRIMARY. Identifiers: Orphanet 99879, MedGen C1840402, MONDO:0007767, OMIM 145000.
Hereditary cancer-predisposing syndrome. Also called: Tumor predisposition; Hereditary neoplastic syndrome; Neoplastic Syndromes, Hereditary; Hereditary Cancer Syndrome. Identifiers: Orphanet 140162, MedGen C0027672, MeSH D009386, MONDO:0015356.
Parathyroid carcinoma (PRTC). Also called: Parathyroid gland carcinoma; CDC73-Related Parathyroid Carcinoma. Identifiers: Orphanet 143, MedGen C0687150, MONDO:0012004, OMIM 608266, HP:0006780.

Allele frequency attached by ClinVar (database versions not stated): gnomAD 0.00001; gnomAD exomes 0.00001; TOPMed 0.00001; ExAC 0.00002.
gnomAD v4.1: 17 of 1,609,942 alleles (0.0011%); highest among the groups gnomAD compares: Admixed American, 0.005%; no homozygotes.

Submissions (5):

Labcorp Genetics (formerly Invitae), Labcorp
Classification: Uncertain significance for Parathyroid carcinoma. Last evaluated: 2026-01-20. Review status: criteria provided, single submitter. Criteria: Invitae Variant Classification Sherloc (09022015). Collection method: clinical testing. Allele origin: germline.
Comment: This sequence change replaces arginine, which is basic and polar, with histidine, which is basic and polar, at codon 281 of the CDC73 protein (p.Arg281His). This variant is present in population databases (rs762716583, gnomAD 0.0009%). This variant has not been reported in the literature in individuals affected with CDC73-related conditions. ClinVar contains an entry for this variant (Variation ID: 950136). Invitae Evidence Modeling of protein sequence and biophysical properties (such as structural, functional, and spatial information, amino acid conservation, physicochemical variation, residue mobility, and thermodynamic stability) indicates that this missense variant is not expected to disrupt CDC73 protein function with a negative predictive value of 80%. In summary, the available evidence is currently insufficient to determine the role of this variant in disease. Therefore, it has been classified as a Variant of Uncertain Significance.

Ambry Genetics
Classification: Uncertain significance for Hereditary cancer-predisposing syndrome. Last evaluated: 2024-02-14. Review status: criteria provided, single submitter. Criteria: Ambry Variant Classification Scheme 2023. Collection method: clinical testing. Allele origin: germline.
Comment: The p.R281H variant (also known as c.842G>A), located in coding exon 9 of the CDC73 gene, results from a G to A substitution at nucleotide position 842. The arginine at codon 281 is replaced by histidine, an amino acid with highly similar properties. This amino acid position is highly conserved in available vertebrate species. In addition, the in silico prediction for this alteration is inconclusive. Based on the available evidence, the clinical significance of this alteration remains unclear.

Baylor Genetics
Classification: Uncertain significance for Hyperparathyroidism 1. Last evaluated: 2023-08-17. Review status: criteria provided, single submitter. Criteria: ACMG Guidelines, 2015. Collection method: clinical testing. Allele origin: unknown.

Sema4
Classification: Uncertain significance for Hereditary cancer-predisposing syndrome. Last evaluated: 2021-09-23. Review status: criteria provided, single submitter. Criteria: Sema4 Curation Guidelines. Collection method: curation. Allele origin: germline.
Comment: The CDC73 c.842G>A (p.R281H) variant has not been reported in the literature to our knowledge. It was observed in 2/34586 chromosomes of the Latino subpopulation in the large and broad cohorts of the Genome Aggregation Database (PMID: 32461654). The variant has been reported in ClinVar (Variation ID: 950136). Functional studies have not been performed, and in silico predictions of the variant's effect on protein function are inconclusive. The evidence is insufficient to meet ACMG/AMP criteria for classifying the variant as benign or pathogenic. Thus, the clinical significance of this variant is currently uncertain.

Genetic Services Laboratory, University of Chicago
Classification: Uncertain significance. Last evaluated: 2021-05-26. Review status: criteria provided, single submitter. Criteria: ACMG Guidelines, 2015. Collection method: clinical testing. Allele origin: germline. Affected: no.
Comment: DNA sequence analysis of the CDC73 gene demonstrated a sequence change, c.842G>A, in exon 9 that results in an amino acid change, p.Arg281His. This sequence change has been described in the gnomAD database with a frequency of 0.0058% in the African subpopulation (dbSNP rs762716583). The p.Arg281His change affects a moderately conserved amino acid residue located in a domain of the CDC73 protein that is known to be functional. In-silico pathogenicity prediction tools (SIFT, PolyPhen2, Align GVGD, REVEL) provide contradictory results for the p.Arg281His substitution. This sequence change does not appear to have been previously described in patients with CDC73-related disorders. Due to insufficient evidences and the lack of functional studies, the clinical significance of the p.Arg281His change remains unknown at this time.

NM_024529.5(CDC73):c.842G>A (p.Arg281His)

Gene: CDC73 (cell division cycle 73; plus strand). Cytogenetic location: 1q31.2.
Variant type: single nucleotide variant.
Coding change: c.842G>A on transcript NM_024529.5 (MANE Select); coding-DNA position 842, G replaced by A.
Protein change: p.Arg281His; replaces arginine 281 with histidine.
Molecular consequence: missense variant.
Genome position (GRCh38, 1-based): chr1:193,150,317, G>A. VCF-style: chr1-193150317-G-A. GRCh37 (hg19) VCF-style: chr1-193119447-G-A.
Other names: short protein forms R281H.
Identifiers: ClinVar variation 950136 (VCV000950136.14), dbSNP rs762716583, ClinGen allele CA1303484.
Genomic context (GRCh38, chr1:193,150,317, plus strand): 5'-GACATTTAAAAATATTAACAAGTAACTCATAATTAATTTTTTTACAGGATCCCACTTTGC[G>A]CACCAAACAGCCTATCCCAGCTGCCTATAACAGATACGATCAGGAAAGATTCAAAGGAAA-3'
Protein context (NP_078805.3, residues 271-291): PNAAPVDPTL[Arg281His]TKQPIPAAYN